The following is an entry in ClinVar:

NM_003321.5(TUFM):c.121C>T (p.Leu41Phe)

Gene: TUFM (Tu translation elongation factor, mitochondrial; minus strand). Cytogenetic location: 16p11.2.
Variant type: single nucleotide variant.
Coding change: c.121C>T on transcript NM_003321.5 (MANE Select); coding-DNA position 121, C replaced by T.
Protein change: p.Leu41Phe; replaces leucine 41 with phenylalanine.
Molecular consequence: missense variant.
Genome position (GRCh38, 1-based): chr16:28,846,038, G>A on the plus strand (C>T on the coding strand, the complement: TUFM is on the minus strand). VCF-style: chr16-28846038-G-A. GRCh37 (hg19) VCF-style: chr16-28857359-G-A.
Other names: c.121C>T, p.Leu41Phe (NM_001365360.2); short protein forms L41F.
Identifiers: ClinVar variation 2099382 (VCV002099382.4), dbSNP rs769833944, ClinGen allele CA395419043.

ClinVar aggregate classification (germline): Uncertain significance (1 of 4 stars; one submission).

gnomAD v4.1: 1 of 1,613,918 alleles (0.000062%); highest among the groups gnomAD compares: Non-Finnish European, 0.000085%; no homozygotes.

Submission:

Labcorp Genetics (formerly Invitae), Labcorp
Classification: Uncertain significance. Last evaluated: 2022-02-19. Review status: criteria provided, single submitter. Criteria: Invitae Variant Classification Sherloc (09022015). Collection method: clinical testing. Allele origin: germline.
Comment: This sequence change replaces leucine, which is neutral and non-polar, with phenylalanine, which is neutral and non-polar, at codon 41 of the TUFM protein (p.Leu41Phe). In summary, the available evidence is currently insufficient to determine the role of this variant in disease. Therefore, it has been classified as a Variant of Uncertain Significance. Algorithms developed to predict the effect of missense changes on protein structure and function output the following: SIFT: "Tolerated"; PolyPhen-2: "Benign"; Align-GVGD: "Class C0". The phenylalanine amino acid residue is found in multiple mammalian species, which suggests that this missense change does not adversely affect protein function. This variant has not been reported in the literature in individuals affected with TUFM-related conditions. This variant is not present in population databases (gnomAD no frequency).